The following is an entry in ClinVar:

ClinVar aggregate classification (germline): Uncertain significance. Review status: criteria provided, multiple submitters, no conflicts (2 of 4 stars). 2 submissions from 2 submitters: Uncertain significance (2). Last evaluated 2025-10-30.

Allele frequency attached by ClinVar (database versions not stated): gnomAD 0.00013; TOPMed 0.00018; gnomAD exomes 0.00025.
gnomAD v4.1: 361 of 1,544,458 alleles (0.023%); highest among the groups gnomAD compares: Non-Finnish European, 0.03%; no homozygotes.

Submissions (2):

Labcorp Genetics (formerly Invitae), Labcorp
Classification: Uncertain significance. Last evaluated: 2025-10-30. Review status: criteria provided, single submitter. Criteria: Invitae Variant Classification Sherloc (09022015). Collection method: clinical testing. Allele origin: germline.
Comment: This sequence change replaces proline, which is neutral and non-polar, with threonine, which is neutral and polar, at codon 23 of the TRPV6 protein (p.Pro23Thr). This variant is present in population databases (rs761656516, gnomAD 0.007%). This missense change has been observed in individual(s) with chronic pancreatitis (PMID: 31930989). ClinVar contains an entry for this variant (Variation ID: 2753899). Algorithms developed to predict the effect of variants on gene product structure and function are not available or were not evaluated for this variant. Experimental studies have shown that this missense change does not substantially affect TRPV6 function (PMID: 31930989). In summary, the available evidence is currently insufficient to determine the role of this variant in disease. Therefore, it has been classified as a Variant of Uncertain Significance.

Blueprint Genetics
Classification: Uncertain significance. Last evaluated: 2024-04-25. Review status: criteria provided, single submitter. Criteria: ACMG Guidelines, 2015. Collection method: clinical testing. Allele origin: germline.

Literature cited by the submitters: PubMed 31930989 (cited by Labcorp Genetics (formerly Invitae), Labcorp).

NM_018646.6(TRPV6):c.67C>A (p.Pro23Thr)

Gene: TRPV6 (transient receptor potential cation channel subfamily V member 6; minus strand). Cytogenetic location: 7q34.
Variant type: single nucleotide variant.
Coding change: c.67C>A on transcript NM_018646.6 (MANE Select); coding-DNA position 67, C replaced by A.
Protein change: p.Pro23Thr; replaces proline 23 with threonine.
Molecular consequence: missense variant.
Genome position (GRCh38, 1-based): chr7:142,885,570, G>T on the plus strand (C>A on the coding strand, the complement: TRPV6 is on the minus strand). VCF-style: chr7-142885570-G-T. GRCh37 (hg19) VCF-style: chr7-142583315-G-T.
Other names: short protein forms P23T.
Identifiers: ClinVar variation 2753899 (VCV002753899.4), dbSNP rs761656516, ClinGen allele CA12523620.